The following is an entry in ClinVar:

ClinVar aggregate classification (germline): Likely benign (0 of 4 stars; one submission).

Conditions:
HOXB6-related disorder. Also called: HOXB6-related condition.

Allele frequency attached by ClinVar (database versions not stated): ExAC 0.00007; gnomAD exomes 0.00009; ESP Exome Variant Server 0.00016.
gnomAD v4.1: 144 of 1,601,224 alleles (0.009%); highest among the groups gnomAD compares: Non-Finnish European, 0.012%; no homozygotes.

Submission:

PreventionGenetics, part of Exact Sciences
Classification: Likely benign for HOXB6-related condition. Last evaluated: 2019-02-21. Review status: no assertion criteria provided. Collection method: clinical testing. Allele origin: germline.
Comment: This variant is classified as likely benign based on ACMG/AMP sequence variant interpretation guidelines (Richards et al. 2015 PMID: 25741868, with internal and published modifications).

NM_018952.5(HOXB6):c.105G>T (p.Pro35=)

Genes: HOXB-AS3 (HOXB cluster antisense RNA 3; plus strand), HOXB6 (homeobox B6; minus strand), LOC130061089 (ATAC-STARR-seq lymphoblastoid silent region 8655; plus strand). Cytogenetic location: 17q21.32.
Variant type: single nucleotide variant.
Coding change: c.105G>T on transcript NM_018952.5 (MANE Select); coding-DNA position 105, G replaced by T.
Protein change: p.Pro35=; no amino-acid change (proline 35 retained).
Molecular consequence: synonymous variant.
Genome position (GRCh38, 1-based): chr17:48,598,046, C>A on the plus strand (G>T on the coding strand, the complement: HOXB6 is on the minus strand). VCF-style: chr17-48598046-C-A. GRCh37 (hg19) VCF-style: chr17-46675408-C-A.
Other names: c.105G>T, p.Pro35= (NM_001369397.2).
Identifiers: ClinVar variation 3046990 (VCV003046990.2), dbSNP rs371317501, ClinGen allele CA8633181.